The following is an entry in ClinVar:

ClinVar aggregate classification (germline): Conflicting classifications of pathogenicity. Review status: criteria provided, conflicting classifications (1 of 4 stars). 9 submissions from 9 submitters: Uncertain significance (5); Likely benign (4). Last evaluated 2026-09-01.

Conditions:
TRPV4-related disorder. Also called: TRPV4-related disorders; TRPV4-related condition.
Charcot-Marie-Tooth disease. Also called: Charcot-Marie-Tooth Hereditary Neuropathy; Charcot-Marie-Tooth Neuropathy. Identifiers: Orphanet 166, MedGen C0007959, MONDO:0015626.
Inborn genetic diseases. Identifiers: MedGen C0950123, MeSH D030342.
Charcot-Marie-Tooth disease axonal type 2C (HMSN2C). Also called: Charcot-Marie-Tooth Disease Type 2, TRPV4-Related (CMT2C); CHARCOT-MARIE-TOOTH DISEASE, AXONAL, AUTOSOMAL DOMINANT, TYPE 2C; Charcot-Marie-Tooth Neuropathy Type 2C. Identifiers: Orphanet 99937, MedGen C1853710, MONDO:0011633, OMIM 606071.

Allele frequency attached by ClinVar (database versions not stated): gnomAD 0.00020 and 0.00023; TOPMed 0.00028; ESP Exome Variant Server 0.00046; 1000 Genomes Project 0.00080; 1000 Genomes Project 30x 0.00109.
gnomAD v4.1: 497 of 1,614,064 alleles (0.031%); highest among the groups gnomAD compares: Non-Finnish European, 0.039%; no homozygotes.

Submissions (9):

CeGaT Center for Human Genetics Tuebingen
Classification: Likely benign. Last evaluated: 2026-09-01. Review status: criteria provided, single submitter. Criteria: CeGaT Center For Human Genetics Tuebingen Variant Classification Criteria Version 2. Collection method: clinical testing. Allele origin: germline. Affected: yes. Observed: 3 variant alleles.
Comment: TRPV4: BS2

PreventionGenetics, part of Exact Sciences
Classification: Uncertain significance for TRPV4-related condition. Last evaluated: 2026-08-26. Review status: criteria provided, single submitter. Criteria: ACMG Guidelines, 2015. Collection method: clinical testing. Allele origin: germline.
Comment: The TRPV4 c.1378C>T variant is predicted to result in the amino acid substitution p.Arg460Trp. This variant has been reported in two individuals with Charcot-Marie-Tooth disease; however, additional support for pathogenicity was not provided (Volodarsky et al. 2021. PubMed ID: 32376792). This variant is reported in 0.024% of alleles in individuals of European (Non-Finnish) descent in gnomAD, which may be too frequent to be a primary cause of disease. Although we suspect that this variant may be benign, at this time, the clinical significance of this variant is uncertain due to the absence of conclusive functional and genetic evidence.

Labcorp Genetics (formerly Invitae), Labcorp
Classification: Likely benign for Charcot-Marie-Tooth disease axonal type 2C. Last evaluated: 2025-10-24. Review status: criteria provided, single submitter. Criteria: Invitae Variant Classification Sherloc (09022015). Collection method: clinical testing. Allele origin: germline.

Blueprint Genetics
Classification: Likely benign. Last evaluated: 2024-11-27. Review status: criteria provided, single submitter. Criteria: ACMG Guidelines, 2015. Collection method: clinical testing. Allele origin: germline.

GeneDx
Classification: Uncertain significance. Last evaluated: 2024-11-20. Review status: criteria provided, single submitter. Criteria: GeneDx Variant Classification Process June 2021. Collection method: clinical testing. Allele origin: germline. Affected: yes.
Comment: Reported as a variant of uncertain significance in two individuals with Charcot-Marie-Tooth disease in published literature (PMID: 32376792); In silico analysis supports that this missense variant has a deleterious effect on protein structure/function; This variant is associated with the following publications: (PMID: 32906206, 32376792)

Revvity Omics, Revvity
Classification: Uncertain significance. Last evaluated: 2020-04-29. Review status: criteria provided, single submitter. Criteria: ACMG Guidelines, 2015. Collection method: clinical testing. Allele origin: germline.

Ambry Genetics
Classification: Likely benign for Inborn genetic diseases. Last evaluated: 2019-11-19. Review status: criteria provided, single submitter. Criteria: Ambry Variant Classification Scheme 2023. Collection method: clinical testing. Allele origin: germline.

Mayo Clinic Laboratories, Mayo Clinic
Classification: Uncertain significance. Last evaluated: 2019-05-26. Review status: criteria provided, single submitter. Criteria: ACMG Guidelines, 2015. Collection method: clinical testing. Allele origin: germline. Observed: 1 variant allele.

Molecular Genetics Laboratory, London Health Sciences Centre
Classification: Uncertain significance for Charcot-Marie-Tooth disease. Review status: criteria provided, single submitter. Criteria: ACMG Guidelines, 2015. Collection method: clinical testing. Allele origin: germline. Affected: yes.

NM_021625.5(TRPV4):c.1378C>T (p.Arg460Trp)

Gene: TRPV4 (transient receptor potential cation channel subfamily V member 4; minus strand). Cytogenetic location: 12q24.11.
Variant type: single nucleotide variant.
Coding change: c.1378C>T on transcript NM_021625.5 (MANE Select); coding-DNA position 1378, C replaced by T.
Protein change: p.Arg460Trp; replaces arginine 460 with tryptophan.
Molecular consequence: missense variant.
Genome position (GRCh38, 1-based): chr12:109,794,442, G>A on the plus strand (C>T on the coding strand, the complement: TRPV4 is on the minus strand). VCF-style: chr12-109794442-G-A. GRCh37 (hg19) VCF-style: chr12-110232247-G-A.
Other names: c.1237C>T, p.Arg413Trp (NM_001177428.2); c.1276C>T, p.Arg426Trp (NM_001177431.2); c.1057C>T, p.Arg353Trp (NM_001177433.2); c.1198C>T, p.Arg400Trp (NM_147204.3); short protein forms R460W, R400W, R353W, R426W, R413W.
Identifiers: ClinVar variation 241381 (VCV000241381.52), dbSNP rs34227547, ClinGen allele CA6780257.